The following is an entry in ClinVar:

NM_001330588.2(TPP2):c.3544G>A (p.Glu1182Lys)

Gene: TPP2 (tripeptidyl peptidase 2; plus strand). Cytogenetic location: 13q33.1.
Variant type: single nucleotide variant.
Coding change: c.3544G>A on transcript NM_001330588.2 (MANE Select); coding-DNA position 3544, G replaced by A.
Protein change: p.Glu1182Lys; replaces glutamic acid 1182 with lysine.
Molecular consequence: missense variant. On other transcripts: non-coding transcript variant (1).
Genome position (GRCh38, 1-based): chr13:102,674,455, G>A. VCF-style: chr13-102674455-G-A. GRCh37 (hg19) VCF-style: chr13-103326805-G-A.
Other names: c.3631G>A, p.Glu1211Lys (NM_001367947.1); c.3505G>A, p.Glu1169Lys (NM_003291.4); short protein forms E1169K, E1211K, E1182K.
Identifiers: ClinVar variation 835267 (VCV000835267.9), dbSNP rs1885176001, ClinGen allele CA388512517.

ClinVar aggregate classification (germline): Uncertain significance (1 of 4 stars; one submission).

Conditions:
Evans syndrome, immunodeficiency, and premature immunosenescence associated with tripeptidyl-peptidase II deficiency. Identifiers: MedGen CN231723. Disease mechanism: loss of function.

Submission:

Labcorp Genetics (formerly Invitae), Labcorp
Classification: Uncertain significance for Evans syndrome, immunodeficiency, and premature immunosenescence associated with tripeptidyl-peptidase II deficiency. Last evaluated: 2019-12-04. Review status: criteria provided, single submitter. Criteria: Invitae Variant Classification Sherloc (09022015). Collection method: clinical testing. Allele origin: germline.
Comment: In summary, the available evidence is currently insufficient to determine the role of this variant in disease. Therefore, it has been classified as a Variant of Uncertain Significance. Algorithms developed to predict the effect of missense changes on protein structure and function are either unavailable or do not agree on the potential impact of this missense change (SIFT: "Tolerated"; PolyPhen-2: "Possibly Damaging"; Align-GVGD: "Class C0"). This variant has not been reported in the literature in individuals with TPP2-related conditions. This variant is not present in population databases (ExAC no frequency). This sequence change replaces glutamic acid with lysine at codon 1169 of the TPP2 protein (p.Glu1169Lys). The glutamic acid residue is highly conserved and there is a small physicochemical difference between glutamic acid and lysine.